The following is an entry in ClinVar:

NM_004643.4(PABPN1):c.779G>T (p.Gly260Val)

Genes: BCL2L2-PABPN1 (BCL2L2-PABPN1 readthrough; plus strand), PABPN1 (poly(A) binding protein nuclear 1; plus strand). Cytogenetic location: 14q11.2.
Variant type: single nucleotide variant.
Coding change: c.779G>T on transcript NM_004643.4 (MANE Select); coding-DNA position 779, G replaced by T.
Protein change: p.Gly260Val; replaces glycine 260 with valine.
Molecular consequence: missense variant.
Genome position (GRCh38, 1-based): chr14:23,324,187, G>T. VCF-style: chr14-23324187-G-T. GRCh37 (hg19) VCF-style: chr14-23793396-G-T.
Other names: c.860G>T, p.Gly287Val (NM_001199864.3, NM_001387345.1, NM_001387346.1); c.977G>T, p.Gly326Val (NM_001387340.1); c.956G>T, p.Gly319Val (NM_001387341.1, NM_001387342.1, NM_001387343.1 and 1 more transcripts); c.779G>T, p.Gly260Val (NM_001360551.3); c.395G>T, p.Gly132Val (NM_001360552.2); short protein forms G132V, G260V, G287V, G319V, G326V.
Identifiers: ClinVar variation 4875031 (VCV004875031.2).

ClinVar aggregate classification (germline): Uncertain significance (1 of 4 stars; one submission).

Submission:

CeGaT Center for Human Genetics Tuebingen
Classification: Uncertain significance. Last evaluated: 2026-06-01. Review status: criteria provided, single submitter. Criteria: CeGaT Center For Human Genetics Tuebingen Variant Classification Criteria Version 2. Collection method: clinical testing. Allele origin: germline. Affected: yes. Observed: 1 variant allele.
Comment: PABPN1: PM2, PP3